The following is an entry in ClinVar:

NM_000031.6(ALAD):c.*1803A>G

Gene: ALAD (aminolevulinate dehydratase; minus strand). Cytogenetic location: 9q32.
Variant type: single nucleotide variant.
Coding change: c.*1803A>G on transcript NM_000031.6 (MANE Select); 1803 bases downstream of the stop codon, A replaced by G.
Molecular consequence: 3 prime UTR variant.
Genome position (GRCh38, 1-based): chr9:113,386,497, T>C on the plus strand (A>G on the coding strand, the complement: ALAD is on the minus strand). VCF-style: chr9-113386497-T-C. GRCh37 (hg19) VCF-style: chr9-116148777-T-C.
Other names: c.*1803A>G (NM_001003945.3, NM_001317745.2).
Identifiers: ClinVar variation 913400 (VCV000913400.4), dbSNP rs41276803, ClinGen allele CA198541842.

ClinVar aggregate classification (germline): Likely benign (1 of 4 stars; one submission).

Conditions:
Porphobilinogen synthase deficiency. Also called: ALAD DEFICIENCY; DELTA-AMINOLEVULINATE DEHYDRATASE DEFICIENCY; DOSS PORPHYRIA; PORPHYRIA, ALAD; Porphyria due to ALA dehydratase deficiency. Identifiers: Orphanet 100924, MedGen C0268328, MONDO:0013000, OMIM 612740.

Allele frequency attached by ClinVar (database versions not stated): 1000 Genomes Project 0.00080; TOPMed 0.00109; gnomAD 0.00113.

Submission:

Illumina Laboratory Services, Illumina
Classification: Likely benign for Porphobilinogen synthase deficiency. Last evaluated: 2018-01-12. Review status: criteria provided, single submitter. Criteria: ICSL Variant Classification Criteria 13 December 2019. Collection method: clinical testing. Allele origin: germline.
Comment: This variant was observed in the ICSL laboratory as part of a predisposition screen in an ostensibly healthy population. It had not been previously curated by ICSL or reported in the Human Gene Mutation Database (HGMD: prior to June 1st, 2018), and was therefore a candidate for classification through an automated scoring system. Utilizing variant allele frequency, disease prevalence and penetrance estimates, and inheritance mode, an automated score was calculated to assess if this variant is too frequent to cause the disease. Based on the score and internal cut-off values, a variant classified as likely benign is not then subjected to further curation. The score for this variant resulted in a classification of likely benign for this disease.